The following is an entry in ClinVar:

NM_018249.6(CDK5RAP2):c.1577_1581delinsTTTT (p.Glu526fs)

Gene: CDK5RAP2 (CDK5 regulatory subunit associated protein 2; minus strand). Cytogenetic location: 9q33.2.
Variant type: Indel.
Coding change: c.1577_1581delinsTTTT on transcript NM_018249.6 (MANE Select); coding-DNA positions 1577 to 1581, AAAAG replaced by TTTT.
Protein change: p.Glu526fs; shifts the reading frame from glutamic acid 526.
Molecular consequence: frameshift variant. On other transcripts: non-coding transcript variant (5).
Genome position (GRCh38, 1-based): chr9:120,487,339-120,487,343, CTTTT replaced by AAAA on the plus strand (AAAAG replaced by TTTT on the coding strand, the reverse complement: CDK5RAP2 is on the minus strand). VCF-style: chr9-120487339-CTTTT-AAAA. GRCh37 (hg19) VCF-style: chr9-123249617-CTTTT-AAAA.
Other names: c.1577_1581delinsTTTT, p.Glu526fs (NM_001011649.3, NM_001272039.2, NM_001410992.1 and 2 more transcripts); short protein forms E526fs.
Identifiers: ClinVar variation 5007380 (VCV005007380.2).

ClinVar aggregate classification (germline): Likely pathogenic (1 of 4 stars; one submission).

Conditions:
Microcephaly 3, primary, autosomal recessive. Identifiers: Orphanet 2512, MedGen C1858108, MONDO:0011488, OMIM 604804.

Submission:

Juno Genomics, Hangzhou Juno Genomics, Inc
Classification: Likely pathogenic for Microcephaly 3, primary, autosomal recessive. Review status: criteria provided, single submitter. Criteria: ACMG Guidelines, 2015. Collection method: clinical testing. Allele origin: germline.
Comment: Null variant in a gene where loss of function (LOF) is a known mechanism of disease.;Absent from controls (or at extremely low frequency if recessive) in Genome Aggregation Database.